The following is an entry in ClinVar:

ClinVar aggregate classification (germline): Pathogenic. Review status: criteria provided, multiple submitters, no conflicts (2 of 4 stars). 3 submissions from 3 submitters: Pathogenic (2). 1 of the submissions does not count toward it. Last evaluated 2025-12-29.

Conditions:
Retinitis pigmentosa 39 (RP39). Identifiers: Orphanet 791, MedGen C3151138, MONDO:0013436, OMIM 613809.
Usher syndrome type 2A. Also called: RETINAL DISEASE IN USHER SYNDROME TYPE IIA, MODIFIER OF; USHER SYNDROME, TYPE IIA. Identifiers: Orphanet 231178, Orphanet 886, MedGen C1848634, MONDO:0010169, OMIM 276901.

Allele frequency attached by ClinVar (database versions not stated): gnomAD exomes below 0.00001.

Submissions (3):

Natera, Inc.
Classification: Pathogenic for Usher syndrome type 2A. Last evaluated: 2025-12-29. Review status: criteria provided, single submitter. Criteria: Natera Variant Classification Schema (03/2026). Collection method: clinical testing. Allele origin: germline.
Comment: The c.13700del variant in USH2A is a frameshift variant predicted to shift the reading frame beginning at codon 4567 and leads to a stop codon 16 codons downstream. This variant is expected to result in nonsense mediated decay, truncation, or a dysfunctional protein product. This variant is rare in the general population with a frequency below the threshold expected for the associated phenotype(s). This variant has been observed in one or more individuals affected with the associated recessive disease, as either homozygous or compound heterozygous with a second variant (PMID: 34948090). Given the available evidence, this variant is classified as Pathogenic.

Baylor Genetics
Classification: Pathogenic for Retinitis pigmentosa 39. Last evaluated: 2023-08-09. Review status: criteria provided, single submitter. Criteria: ACMG Guidelines, 2015. Collection method: clinical testing. Allele origin: unknown.

Counsyl
Classification: Pathogenic for Usher syndrome type 2A; Retinitis pigmentosa 39. Last evaluated: 2017-12-27. Review status: no assertion criteria provided. Collection method: clinical testing. Allele origin: unknown. Not counted in ClinVar's aggregate classification.

Literature cited by the submitters: PubMed 34948090 (cited by Natera, Inc.); PubMed 24944099 (cited by Counsyl); PubMed 27460420 (cited by Counsyl).

NM_206933.4(USH2A):c.13700del (p.Leu4567fs)

Gene: USH2A (usherin; minus strand). Cytogenetic location: 1q41.
Variant type: Deletion.
Coding change: c.13700del on transcript NM_206933.4 (MANE Select); coding-DNA position 13700, one base deleted (T; older notation c.13700delT).
Protein change: p.Leu4567fs; shifts the reading frame from leucine 4567.
Molecular consequence: frameshift variant.
Genome position (GRCh38, 1-based): chr1:215,674,211, A deleted on the plus strand (T on the coding strand, the reverse complement: USH2A is on the minus strand). VCF-style (leftmost placement, unchanged base first): chr1-215674210-GA-G. GRCh37 (hg19) VCF-style: chr1-215847552-GA-G.
Other names: c.13700del (NM_206933.2); short protein forms L4567fs.
Identifiers: ClinVar variation 555701 (VCV000555701.4), dbSNP rs1212608410, ClinGen allele CA529002036.